The following is an entry in ClinVar:

NM_153026.3(PRICKLE1):c.1299T>G (p.Asn433Lys)

Gene: PRICKLE1 (prickle planar cell polarity protein 1; minus strand). Cytogenetic location: 12q12.
Variant type: single nucleotide variant.
Coding change: c.1299T>G on transcript NM_153026.3 (MANE Select); coding-DNA position 1299, T replaced by G.
Protein change: p.Asn433Lys; replaces asparagine 433 with lysine.
Molecular consequence: missense variant.
Genome position (GRCh38, 1-based): chr12:42,464,735, A>C on the plus strand (T>G on the coding strand, the complement: PRICKLE1 is on the minus strand). VCF-style: chr12-42464735-A-C. GRCh37 (hg19) VCF-style: chr12-42858537-A-C.
Other names: c.1299T>G, p.Asn433Lys (NM_001144881.2, NM_001144882.2, NM_001144883.2); short protein forms N433K.
Identifiers: ClinVar variation 410637 (VCV000410637.8), dbSNP rs779594296, ClinGen allele CA16613738.

ClinVar aggregate classification (germline): Uncertain significance (1 of 4 stars; one submission).

Conditions:
Epilepsy, progressive myoclonic, 1B. Also called: PME. Identifiers: Orphanet 308, MedGen C2676254, MONDO:0012904, OMIM 612437.

Allele frequency attached by ClinVar (database versions not stated): gnomAD 0.00001.

Submission:

Labcorp Genetics (formerly Invitae), Labcorp
Classification: Uncertain significance for Epilepsy, progressive myoclonic, 1B. Last evaluated: 2016-11-30. Review status: criteria provided, single submitter. Criteria: Invitae Variant Classification Sherloc (09022015). Collection method: clinical testing. Allele origin: germline.
Comment: This sequence change replaces asparagine with lysine at codon 433 of the PRICKLE1 protein (p.Asn433Lys). The asparagine residue is weakly conserved and there is a moderate physicochemical difference between asparagine and lysine. This variant is not present in population databases (ExAC no frequency) and has not been reported in the literature in individuals with a PRICKLE1-related disease. Algorithms developed to predict the effect of missense changes on protein structure and function (SIFT, PolyPhen-2, Align-GVGD) all suggest that this variant is likely to be tolerated, but these predictions have not been confirmed by published functional studies. In summary, this variant is a novel missense change that is not predicted to affect protein function. There is no indication that it causes disease, but the available evidence is currently insufficient to prove that conclusively. Therefore, it has been classified as a Variant of Uncertain Significance.